The following is an entry in ClinVar:

ClinVar aggregate classification (germline): Uncertain significance (1 of 4 stars; one submission).

Submission:

Greenwood Genetic Center Diagnostic Laboratories, Greenwood Genetic Center
Classification: Uncertain significance. Last evaluated: 2023-06-01. Review status: criteria provided, single submitter. Criteria: ACMG Guidelines, 2015. Collection method: clinical testing. Allele origin: germline. Affected: yes.
Comment: PM2, PP3

NM_021072.4(HCN1):c.1923T>A (p.Tyr641Ter)

Gene: HCN1 (hyperpolarization activated cyclic nucleotide gated potassium channel 1; minus strand). Cytogenetic location: 5p12.
Variant type: single nucleotide variant.
Coding change: c.1923T>A on transcript NM_021072.4 (MANE Select); coding-DNA position 1923, T replaced by A.
Protein change: p.Tyr641Ter; replaces tyrosine 641 with a stop codon.
Molecular consequence: nonsense.
Genome position (GRCh38, 1-based): chr5:45,262,671, A>T on the plus strand (T>A on the coding strand, the complement: HCN1 is on the minus strand). VCF-style: chr5-45262671-A-T. GRCh37 (hg19) VCF-style: chr5-45262773-A-T.
Other names: short protein forms Y641*.
Identifiers: ClinVar variation 2572247 (VCV002572247.1), dbSNP rs2478183113, ClinGen allele CA359704412.
Genomic context (GRCh38, chr5:45,262,671, plus strand): 5'-CCTCATGCGGGAGGTCGGGGTCGTAGTAGACGATGTGGAATTCAGGGTTGTCATTTGAGG[A>T]TAATTGATGGGAGCGATTGCCTGCACCATCTCCCTGTCATGTTTCACAATCTGCTTGAGG-3'